The following is an entry in ClinVar:

ClinVar aggregate classification (germline): Likely benign. Review status: criteria provided, single submitter (1 of 4 stars). 2 submissions from 2 submitters: Likely benign (1). 1 of the submissions does not count toward it. Last evaluated 2023-12-24.

Allele frequency attached by ClinVar (database versions not stated): gnomAD 0.00004 and 0.00003; ESP Exome Variant Server 0.00008; ExAC 0.00002; gnomAD exomes 0.00004; TOPMed 0.00003.
gnomAD v4.1: 65 of 1,613,328 alleles (0.004%); highest among the groups gnomAD compares: Admixed American, 0.0067%; no homozygotes.

Submissions (2):

Labcorp Genetics (formerly Invitae), Labcorp
Classification: Likely benign. Last evaluated: 2023-12-24. Review status: criteria provided, single submitter. Criteria: Invitae Variant Classification Sherloc (09022015). Collection method: clinical testing. Allele origin: germline.

Martin Pollak Laboratory,  Beth Israel Deaconess Medical Center
Classification: Uncertain significance. Review status: no assertion criteria provided. Collection method: not provided. Allele origin: unknown. Not counted in ClinVar's aggregate classification.
Comment: Lower UCa2+ group
ClinVar note: Converted during submission from unknown to Uncertain significance.

NM_000338.3(SLC12A1):c.2262C>T (p.Asp754=)

Gene: SLC12A1 (solute carrier family 12 member 1; plus strand). Cytogenetic location: 15q21.1.
Variant type: single nucleotide variant.
Coding change: c.2262C>T on transcript NM_000338.3 (MANE Select); coding-DNA position 2262, C replaced by T.
Protein change: p.Asp754=; no amino-acid change (aspartic acid 754 retained).
Molecular consequence: synonymous variant.
Genome position (GRCh38, 1-based): chr15:48,267,668, C>T. VCF-style: chr15-48267668-C-T. GRCh37 (hg19) VCF-style: chr15-48559865-C-T.
Other names: c.2262C>T, p.Asp754= (NM_001184832.2).
Identifiers: ClinVar variation 64409 (VCV000064409.8), dbSNP rs372953090, ClinGen allele CA216080.